The following is an entry in ClinVar:

ClinVar aggregate classification (germline): Uncertain significance. Review status: criteria provided, multiple submitters, no conflicts (2 of 4 stars). 2 submissions from 2 submitters: Uncertain significance (2). Last evaluated 2025-12-08.

Conditions:
Cohen syndrome (COH1). Also called: Cutis verticis gyrata, retinitis pigmentosa, and sensorineural deafness; PEPPER SYNDROME. Identifiers: Orphanet 193, MedGen C0265223, MONDO:0008999, OMIM 216550.

Allele frequency attached by ClinVar (database versions not stated): gnomAD exomes 0.00002 and 0.00003; ExAC 0.00004.
gnomAD v4.1: 11 of 1,613,998 alleles (0.00068%); highest among the groups gnomAD compares: South Asian, 0.012%; no homozygotes.

Submissions (2):

Labcorp Genetics (formerly Invitae), Labcorp
Classification: Uncertain significance for Cohen syndrome. Last evaluated: 2025-12-08. Review status: criteria provided, single submitter. Criteria: Invitae Variant Classification Sherloc (09022015). Collection method: clinical testing. Allele origin: germline.
Comment: This sequence change replaces valine, which is neutral and non-polar, with alanine, which is neutral and non-polar, at codon 2721 of the VPS13B protein (p.Val2721Ala). This variant is present in population databases (rs755015601, gnomAD 0.03%). This variant has not been reported in the literature in individuals affected with VPS13B-related conditions. ClinVar contains an entry for this variant (Variation ID: 1420056). Invitae Evidence Modeling of protein sequence and biophysical properties (such as structural, functional, and spatial information, amino acid conservation, physicochemical variation, residue mobility, and thermodynamic stability) indicates that this missense variant is expected to disrupt VPS13B protein function with a positive predictive value of 80%. In summary, the available evidence is currently insufficient to determine the role of this variant in disease. Therefore, it has been classified as a Variant of Uncertain Significance.

Blueprint Genetics
Classification: Uncertain significance. Last evaluated: 2020-04-20. Review status: criteria provided, single submitter. Criteria: ACMG Guidelines, 2015. Collection method: clinical testing. Allele origin: germline.

NM_152564.5(VPS13B):c.8087T>C (p.Val2696Ala)

Gene: VPS13B (vacuolar protein sorting 13 homolog B; plus strand). Cytogenetic location: 8q22.2.
Variant type: single nucleotide variant.
Coding change: c.8087T>C on transcript NM_152564.5 (MANE Select); coding-DNA position 8087, T replaced by C.
Protein change: p.Val2696Ala; replaces valine 2696 with alanine.
Molecular consequence: missense variant.
Genome position (GRCh38, 1-based): chr8:99,809,520, T>C. VCF-style: chr8-99809520-T-C. GRCh37 (hg19) VCF-style: chr8-100821748-T-C.
Other names: c.8162T>C, p.Val2721Ala (NM_017890.5); short protein forms V2721A, V2696A.
Identifiers: ClinVar variation 1420056 (VCV001420056.7), dbSNP rs755015601, ClinGen allele CA4824376.